The following is an entry in ClinVar:

NM_002291.3(LAMB1):c.1648G>C (p.Ala550Pro)

Gene: LAMB1 (laminin subunit beta 1; minus strand). Cytogenetic location: 7q31.1.
Variant type: single nucleotide variant.
Coding change: c.1648G>C on transcript NM_002291.3 (MANE Select); coding-DNA position 1648, G replaced by C.
Protein change: p.Ala550Pro; replaces alanine 550 with proline.
Molecular consequence: missense variant.
Genome position (GRCh38, 1-based): chr7:107,964,602, C>G on the plus strand (G>C on the coding strand, the complement: LAMB1 is on the minus strand). VCF-style: chr7-107964602-C-G. GRCh37 (hg19) VCF-style: chr7-107605047-C-G.
Other names: short protein forms A550P.
Identifiers: ClinVar variation 1947501 (VCV001947501.6), dbSNP rs573856624, ClinGen allele CA4435943.

ClinVar aggregate classification (germline): Uncertain significance. Review status: criteria provided, multiple submitters, no conflicts (2 of 4 stars). 2 submissions from 2 submitters: Uncertain significance (2). Last evaluated 2025-07-30.

Allele frequency attached by ClinVar (database versions not stated): ExAC 0.00001; 1000 Genomes Project 30x 0.00016; 1000 Genomes Project 0.00020.
gnomAD v4.1: 1 of 1,614,182 alleles (0.000062%); highest among the groups gnomAD compares: Admixed American, 0.0017%; no homozygotes.

Submissions (2):

Labcorp Genetics (formerly Invitae), Labcorp
Classification: Uncertain significance. Last evaluated: 2025-07-30. Review status: criteria provided, single submitter. Criteria: Invitae Variant Classification Sherloc (09022015). Collection method: clinical testing. Allele origin: germline.
Comment: This sequence change replaces alanine, which is neutral and non-polar, with proline, which is neutral and non-polar, at codon 550 of the LAMB1 protein (p.Ala550Pro). This variant is present in population databases (rs573856624, gnomAD 0.003%). This variant has not been reported in the literature in individuals affected with LAMB1-related conditions. ClinVar contains an entry for this variant (Variation ID: 1947501). An algorithm developed to predict the effect of missense changes on protein structure and function outputs the following: PolyPhen-2: "Benign". The proline amino acid residue is found in multiple mammalian species, which suggests that this missense change does not adversely affect protein function. In summary, the available evidence is currently insufficient to determine the role of this variant in disease. Therefore, it has been classified as a Variant of Uncertain Significance.

Breakthrough Genomics
Classification: Uncertain significance. Review status: criteria provided, single submitter. Criteria: ACMG Guidelines, 2015. Collection method: not provided. Allele origin: germline. Inheritance: Autosomal recessive inheritance. Affected: yes.